The following is an entry in ClinVar:

NM_000222.3(KIT):c.1725A>G (p.Gln575=)

Gene: KIT (KIT proto-oncogene, receptor tyrosine kinase; plus strand). Cytogenetic location: 4q12.
Variant type: single nucleotide variant.
Coding change: c.1725A>G on transcript NM_000222.3 (MANE Select); coding-DNA position 1725, A replaced by G.
Protein change: p.Gln575=; no amino-acid change (glutamine 575 retained).
Molecular consequence: synonymous variant.
Genome position (GRCh38, 1-based): chr4:54,727,493, A>G. VCF-style: chr4-54727493-A-G. GRCh37 (hg19) VCF-style: chr4-55593659-A-G.
Other names: c.1713A>G, p.Gln571= (NM_001093772.2, NM_001385286.1); c.1728A>G, p.Gln576= (NM_001385284.1, NM_001385290.1); c.1725A>G, p.Gln575= (NM_001385285.1); c.1716A>G, p.Gln572= (NM_001385288.1, NM_001385292.1).
Identifiers: ClinVar variation 458889 (VCV000458889.18), dbSNP rs1025892108, ClinGen allele CA96875805.

ClinVar aggregate classification (germline): Benign/Likely benign. Review status: criteria provided, multiple submitters, no conflicts (2 of 4 stars). 4 submissions from 4 submitters: Benign (1); Likely benign (3). Last evaluated 2026-06-04.

Conditions:
KIT-related disorder. Also called: KIT-related condition.
Hereditary cancer-predisposing syndrome. Also called: Tumor predisposition; Hereditary neoplastic syndrome; Neoplastic Syndromes, Hereditary; Hereditary Cancer Syndrome. Identifiers: Orphanet 140162, MedGen C0027672, MeSH D009386, MONDO:0015356.
Gastrointestinal stromal tumor. Also called: Gastrointestinal stromal tumor, somatic; Gastrointestinal stroma tumor. Identifiers: Orphanet 44890, MedGen C0238198, MeSH D046152, MONDO:0011719, OMIM 606764, HP:0100723.

Allele frequency attached by ClinVar (database versions not stated): gnomAD exomes below 0.00001 and 0.00002; gnomAD 0.00003 and 0.00004; TOPMed 0.00003.
gnomAD v4.1: 12 of 1,613,990 alleles (0.00074%); highest among the groups gnomAD compares: Admixed American, 0.015%; no homozygotes.

Submissions (4):

Myriad Genetics, Inc.
Classification: Benign for Gastrointestinal stromal tumor. Last evaluated: 2026-06-04. Review status: criteria provided, single submitter. Criteria: Myriad Autosomal Dominant, Autosomal Recessive and X-Linked Classification Criteria (2023). Collection method: clinical testing. Allele origin: unknown.
Comment: This variant is considered benign. This variant is a silent/synonymous amino acid change and it is not expected to impact splicing.

Labcorp Genetics (formerly Invitae), Labcorp
Classification: Likely benign for Gastrointestinal stromal tumor. Last evaluated: 2025-11-11. Review status: criteria provided, single submitter. Criteria: Invitae Variant Classification Sherloc (09022015). Collection method: clinical testing. Allele origin: germline.

PreventionGenetics, part of Exact Sciences
Classification: Likely benign for KIT-related condition. Last evaluated: 2025-01-10. Review status: criteria provided, single submitter. Criteria: ACMG Guidelines, 2015. Collection method: clinical testing. Allele origin: germline.
Comment: This variant is classified as likely benign based on ACMG/AMP sequence variant interpretation guidelines (Richards et al. 2015 PMID: 25741868, with internal and published modifications).

Ambry Genetics
Classification: Likely benign for Hereditary cancer-predisposing syndrome. Last evaluated: 2019-11-06. Review status: criteria provided, single submitter. Criteria: Ambry Variant Classification Scheme 2023. Collection method: clinical testing. Allele origin: germline.